The following is an entry in ClinVar:

ClinVar aggregate classification (germline): Pathogenic/Likely pathogenic. Review status: criteria provided, multiple submitters, no conflicts (2 of 4 stars). 2 submissions from 2 submitters: Pathogenic (1); Likely pathogenic (1). Last evaluated 2024-05-16.

Conditions:
Hemochromatosis type 3 (HFE3). Also called: HEMOCHROMATOSIS DUE TO DEFECT IN TRANSFERRIN RECEPTOR 2; TFR2-Related Hemochromatosis; Hereditary hemochromatosis type 3. Identifiers: Orphanet 225123, MedGen C1858664, MONDO:0011417, OMIM 604250.
Hereditary hemochromatosis (HFE). Identifiers: MedGen C0392514, MONDO:0006507. Disease mechanism: loss of function.

Submissions (2):

Fulgent Genetics
Classification: Likely pathogenic for Hemochromatosis type 3. Last evaluated: 2024-05-16. Review status: criteria provided, single submitter. Criteria: ACMG Guidelines, 2015. Collection method: clinical testing. Allele origin: germline.

Labcorp Genetics (formerly Invitae), Labcorp
Classification: Pathogenic for Hereditary hemochromatosis. Last evaluated: 2023-10-04. Review status: criteria provided, single submitter. Criteria: Invitae Variant Classification Sherloc (09022015). Collection method: clinical testing. Allele origin: germline.
Comment: This sequence change creates a premature translational stop signal (p.Asp699Alafs*91) in the TFR2 gene. While this is not anticipated to result in nonsense mediated decay, it is expected to disrupt the last 103 amino acid(s) of the TFR2 protein. This variant is not present in population databases (gnomAD no frequency). This variant has not been reported in the literature in individuals affected with TFR2-related conditions. This variant disrupts a region of the TFR2 protein in which other variant(s) (p.Gly792Arg) have been determined to be pathogenic (PMID: 16424658, 26029709). This suggests that this is a clinically significant region of the protein, and that variants that disrupt it are likely to be disease-causing. For these reasons, this variant has been classified as Pathogenic.

Literature cited by the submitters: PubMed 16424658 (cited by Labcorp Genetics (formerly Invitae), Labcorp); PubMed 26029709 (cited by Labcorp Genetics (formerly Invitae), Labcorp).

NM_003227.4(TFR2):c.2096_2100del (p.Asp699fs)

Genes: TFR2 (transferrin receptor 2; minus strand), LOC113687175 (Sharpr-MPRA regulatory region 4647; plus strand). Cytogenetic location: 7q22.1.
Variant type: Deletion.
Coding change: c.2096_2100del on transcript NM_003227.4 (MANE Select); coding-DNA positions 2096 to 2100, 5 bases deleted (ACGAG; older notation c.2096_2100delACGAG).
Protein change: p.Asp699fs; shifts the reading frame from aspartic acid 699.
Molecular consequence: frameshift variant.
Genome position (GRCh38, 1-based): chr7:100,626,799-100,626,803, CTCGT deleted on the plus strand (ACGAG on the coding strand, the reverse complement: TFR2 is on the minus strand); deleting any 5 consecutive bases within chr7:100,626,799-100,626,806 gives the same sequence; the c. name uses the placement nearest the transcript's 3' end. VCF-style (leftmost placement, unchanged base first): chr7-100626798-GCTCGT-G. GRCh37 (hg19) VCF-style: chr7-100224421-GCTCGT-G.
Other names: c.1583_1587del, p.Asp528fs (NM_001206855.3); short protein forms D528fs, D699fs.
Identifiers: ClinVar variation 2971822 (VCV002971822.4), dbSNP rs2486114850, ClinGen allele CA2740097437.